The following is an entry in ClinVar:

NM_003322.6(TULP1):c.360_362delGGA

Gene: TULP1 (TUB like protein 1; minus strand). Cytogenetic location: 6p21.31.
Variant type: Microsatellite.
Coding change: c.360_362delGGA on transcript NM_003322.6 (MANE Select); coding-DNA positions 360 to 362, 3 bases deleted (GGA).
Genome position (GRCh38, 1-based): chr6:35,510,998-35,511,000, TCC deleted on the plus strand (GGA on the coding strand, the reverse complement: TULP1 is on the minus strand); deleting any 3 consecutive bases within chr6:35,510,998-35,511,011 gives the same sequence; the c. name uses the placement nearest the transcript's 3' end. VCF-style (leftmost placement, unchanged base first): chr6-35510997-TTCC-T. GRCh37 (hg19) VCF-style: chr6-35478774-TTCC-T.
Identifiers: ClinVar variation 2043143 (VCV002043143.4), dbSNP rs909885430, ClinGen allele CA137292214.

ClinVar aggregate classification (germline): Uncertain significance. Review status: criteria provided, multiple submitters, no conflicts (2 of 4 stars). 3 submissions from 3 submitters: Uncertain significance (3). Last evaluated 2024-01-23.

Conditions:
Retinal dystrophy. Also called: Inherited retinal dystrophy. Identifiers: Orphanet 71862, MedGen C0854723, MeSH D058499, MONDO:0019118, HP:0000556.

Submissions (3):

Blueprint Genetics
Classification: Uncertain significance. Last evaluated: 2024-01-23. Review status: criteria provided, single submitter. Criteria: ACMG Guidelines, 2015. Collection method: clinical testing. Allele origin: germline.

Dept Of Ophthalmology, Nagoya University
Classification: Uncertain significance for Retinal dystrophy. Last evaluated: 2023-10-01. Review status: criteria provided, single submitter. Criteria: Submitter's publication. Collection method: research. Allele origin: germline. Affected: yes.

Labcorp Genetics (formerly Invitae), Labcorp
Classification: Uncertain significance. Last evaluated: 2021-12-24. Review status: criteria provided, single submitter. Criteria: Invitae Variant Classification Sherloc (09022015). Collection method: clinical testing. Allele origin: germline.
Comment: This variant, c.360_362del, results in the deletion of 1 amino acid(s) of the TULP1 protein (p.Glu123del), but otherwise preserves the integrity of the reading frame. The frequency data for this variant in the population databases is considered unreliable, as metrics indicate poor data quality at this position in the gnomAD database. This variant has not been reported in the literature in individuals affected with TULP1-related conditions. Experimental studies and prediction algorithms are not available or were not evaluated, and the functional significance of this variant is currently unknown. In summary, the available evidence is currently insufficient to determine the role of this variant in disease. Therefore, it has been classified as a Variant of Uncertain Significance.